The following is an entry in ClinVar:

NM_152618.3(BBS12):c.1672_1673del (p.Leu558fs)

Gene: BBS12 (Bardet-Biedl syndrome 12; plus strand). Cytogenetic location: 4q27.
Variant type: Microsatellite.
Coding change: c.1672_1673del on transcript NM_152618.3 (MANE Select); coding-DNA positions 1672 to 1673, 2 bases deleted (CT; older notation c.1672_1673delCT).
Protein change: p.Leu558fs; shifts the reading frame from leucine 558.
Molecular consequence: frameshift variant.
Genome position (GRCh38, 1-based): chr4:122,743,564-122,743,565, CT deleted; deleting any 2 consecutive bases within chr4:122,743,561-122,743,565 gives the same sequence; the c. name uses the placement nearest the transcript's 3' end. VCF-style (leftmost placement, unchanged base first): chr4-122743560-ATC-A. GRCh37 (hg19) VCF-style: chr4-123664715-ATC-A.
Other names: c.1672_1673del, p.Leu558fs (NM_001178007.2); short protein forms L558fs.
Identifiers: ClinVar variation 2679993 (VCV002679993.5), dbSNP rs2485077697, ClinGen allele CA2695198528.

ClinVar aggregate classification (germline): Pathogenic/Likely pathogenic. Review status: criteria provided, multiple submitters, no conflicts (2 of 4 stars). 2 submissions from 2 submitters: Pathogenic (1); Likely pathogenic (1). Last evaluated 2023-12-06.

Conditions:
Bardet-Biedl syndrome (BBS). Identifiers: Orphanet 110, MedGen C0752166, MONDO:0015229.
Bardet-Biedl syndrome 12 (BBS12). Identifiers: Orphanet 110, MedGen C1859570, MONDO:0014440, OMIM 615989.

Submissions (2):

Baylor Genetics
Classification: Likely pathogenic for Bardet-Biedl syndrome 12. Last evaluated: 2023-12-06. Review status: criteria provided, single submitter. Criteria: ACMG Guidelines, 2015. Collection method: clinical testing. Allele origin: unknown.

Labcorp Genetics (formerly Invitae), Labcorp
Classification: Pathogenic for Bardet-Biedl syndrome. Last evaluated: 2023-02-25. Review status: criteria provided, single submitter. Criteria: Invitae Variant Classification Sherloc (09022015). Collection method: clinical testing. Allele origin: germline.
Comment: For these reasons, this variant has been classified as Pathogenic. This variant disrupts a region of the BBS12 protein in which other variant(s) (p.Ser701*) have been determined to be pathogenic (PMID: 20648243). This suggests that this is a clinically significant region of the protein, and that variants that disrupt it are likely to be disease-causing. This variant has not been reported in the literature in individuals affected with BBS12-related conditions. This variant is not present in population databases (gnomAD no frequency). This sequence change creates a premature translational stop signal (p.Leu558Glufs*13) in the BBS12 gene. While this is not anticipated to result in nonsense mediated decay, it is expected to disrupt the last 153 amino acid(s) of the BBS12 protein.

Literature cited by the submitters: PubMed 20648243 (cited by Labcorp Genetics (formerly Invitae), Labcorp).